The following is an entry in ClinVar:

NM_000179.3(MSH6):c.2031T>A (p.Ser677Arg)

Gene: MSH6 (mutS homolog 6; plus strand). Cytogenetic location: 2p16.3.
Variant type: single nucleotide variant.
Coding change: c.2031T>A on transcript NM_000179.3 (MANE Select); coding-DNA position 2031, T replaced by A.
Protein change: p.Ser677Arg; replaces serine 677 with arginine.
Molecular consequence: missense variant.
Genome position (GRCh38, 1-based): chr2:47,800,014, T>A. VCF-style: chr2-47800014-T-A. GRCh37 (hg19) VCF-style: chr2-48027153-T-A.
Other names: c.1641T>A, p.Ser547Arg (NM_001281492.2); c.1125T>A, p.Ser375Arg (NM_001281493.2, NM_001281494.2); short protein forms S677R, S375R, S547R.
Identifiers: ClinVar variation 628496 (VCV000628496.7), dbSNP rs1558664009, ClinGen allele CA346750723.
Genomic context (GRCh38, chr2:47,800,014, plus strand): 5'-GGTGCTTAAAGGTATGACTTCAGAGTCTGATTCCATTGGGTTGACACCAGGAGAGAAAAG[T>A]GAATTGGCCCTCTCTGCTCTAGGTGGTTGTGTCTTCTACCTCAAAAAATGCCTTATTGAT-3'
Protein context (NP_000170.1, residues 667-687): DSIGLTPGEK[Ser677Arg]ELALSALGGC

ClinVar aggregate classification (germline): Uncertain significance. Review status: criteria provided, multiple submitters, no conflicts (2 of 4 stars). 3 submissions from 3 submitters: Uncertain significance (3). Last evaluated 2024-05-17.

Conditions:
Hereditary cancer-predisposing syndrome. Also called: Neoplastic Syndromes, Hereditary; Tumor predisposition; Hereditary neoplastic syndrome; Hereditary Cancer Syndrome. Identifiers: Orphanet 140162, MedGen C0027672, MeSH D009386, MONDO:0015356.

Submissions (3):

Quest Diagnostics Nichols Institute San Juan Capistrano
Classification: Uncertain significance. Last evaluated: 2024-05-17. Review status: criteria provided, single submitter. Criteria: Quest Diagnostics criteria. Collection method: clinical testing. Allele origin: unknown.
Comment: The MSH6 c.2031T>A (p.Ser677Arg) variant has not been reported in individuals with MSH6-related conditions in the published literature. It also has not been reported in large, multi-ethnic general populations (Genome Aggregation Database). Analysis of this variant using bioinformatics tools for the prediction of the effect of amino acid changes on protein structure and function yielded predictions that this variant is benign. Based on the available information, we are unable to determine the clinical significance of this variant.

Ambry Genetics
Classification: Uncertain significance for Hereditary cancer-predisposing syndrome. Last evaluated: 2024-05-11. Review status: criteria provided, single submitter. Criteria: Ambry Variant Classification Scheme 2023. Collection method: clinical testing. Allele origin: germline.
Comment: The p.S677R variant (also known as c.2031T>A), located in coding exon 4 of the MSH6 gene, results from a T to A substitution at nucleotide position 2031. The serine at codon 677 is replaced by arginine, an amino acid with dissimilar properties. This amino acid position is conserved. In addition, the in silico prediction for this alteration is inconclusive. Based on the available evidence, the clinical significance of this variant remains unclear.

Color Diagnostics, LLC DBA Color Health
Classification: Uncertain significance for Hereditary cancer-predisposing syndrome. Last evaluated: 2023-12-04. Review status: criteria provided, single submitter. Criteria: ACMG Guidelines, 2015. Collection method: clinical testing. Allele origin: germline.
Comment: This missense variant replaces serine with arginine at codon 677 of the MSH6 protein. Computational prediction is inconclusive regarding the impact of this variant on protein structure and function (internally defined REVEL score threshold 0.5 < inconclusive < 0.7, PMID: 27666373). To our knowledge, functional studies have not been reported for this variant. This variant has not been reported in individuals affected with MSH6-related disorders in the literature. This variant has not been identified in the general population by the Genome Aggregation Database (gnomAD). The available evidence is insufficient to determine the role of this variant in disease conclusively. Therefore, this variant is classified as a Variant of Uncertain Significance.